The following is an entry in ClinVar:

ClinVar aggregate classification (germline): Uncertain significance (1 of 4 stars; one submission).

Conditions:
Familial focal epilepsy with variable foci (FPEVF). Identifiers: Orphanet 98820, MedGen C1858477, MONDO:0020310.

gnomAD v4.1: 6 of 1,583,874 alleles (0.00038%); highest among the groups gnomAD compares: South Asian, 0.007%; no homozygotes.

Submission:

Labcorp Genetics (formerly Invitae), Labcorp
Classification: Uncertain significance for Familial focal epilepsy with variable foci. Last evaluated: 2021-12-23. Review status: criteria provided, single submitter. Criteria: Invitae Variant Classification Sherloc (09022015). Collection method: clinical testing. Allele origin: germline.
Comment: In summary, the available evidence is currently insufficient to determine the role of this variant in disease. Therefore, it has been classified as a Variant of Uncertain Significance. Algorithms developed to predict the effect of missense changes on protein structure and function are either unavailable or do not agree on the potential impact of this missense change (SIFT: "Tolerated"; PolyPhen-2: "Not Available"; Align-GVGD: "Class C0"). This variant has not been reported in the literature in individuals affected with DEPDC5-related conditions. The frequency data for this variant in the population databases is considered unreliable, as metrics indicate poor data quality at this position in the gnomAD database. This sequence change replaces aspartic acid, which is acidic and polar, with glutamic acid, which is acidic and polar, at codon 1122 of the DEPDC5 protein (p.Asp1122Glu).

NM_001242896.3(DEPDC5):c.3366C>A (p.Asp1122Glu)

Gene: DEPDC5 (DEP domain containing 5, GATOR1 subcomplex subunit; plus strand). Cytogenetic location: 22q12.3.
Variant type: single nucleotide variant.
Coding change: c.3366C>A on transcript NM_001242896.3 (MANE Select); coding-DNA position 3366, C replaced by A.
Protein change: p.Asp1122Glu; replaces aspartic acid 1122 with glutamic acid.
Molecular consequence: missense variant. On other transcripts: non-coding transcript variant (5).
Genome position (GRCh38, 1-based): chr22:31,870,625, C>A. VCF-style: chr22-31870625-C-A. GRCh37 (hg19) VCF-style: chr22-32266611-C-A.
Other names: c.3339C>A, p.Asp1113Glu (NM_001136029.4); c.3066C>A, p.Asp1022Glu (NM_001242897.2); c.3300C>A, p.Asp1100Glu (NM_001363852.2, NM_001364320.2); c.3132C>A, p.Asp1044Glu (NM_001363854.2, NM_001364319.2); c.3366C>A, p.Asp1122Glu (NM_001364318.2); c.3282C>A, p.Asp1094Glu (NM_001369901.1, NM_001369902.1); c.3273C>A, p.Asp1091Glu (NM_001369903.1, NM_014662.6); short protein forms D1022E, D1044E, D1122E, D1094E, D1091E, D1100E, D1113E.
Identifiers: ClinVar variation 2054129 (VCV002054129.4), dbSNP rs375702574, ClinGen allele CA10196970.